The following is an entry in ClinVar:

ClinVar aggregate classification (germline): Uncertain significance. Review status: criteria provided, multiple submitters, no conflicts (2 of 4 stars). 2 submissions from 2 submitters: Uncertain significance (2). Last evaluated 2022-11-22.

Allele frequency attached by ClinVar (database versions not stated): gnomAD exomes 0.00001 and 0.00002; TOPMed 0.00002; ExAC 0.00003.
gnomAD v4.1: 6 of 1,613,954 alleles (0.00037%); highest among the groups gnomAD compares: Admixed American, 0.01%; no homozygotes.

Submissions (2):

Blueprint Genetics
Classification: Uncertain significance. Last evaluated: 2022-11-22. Review status: criteria provided, single submitter. Criteria: ACMG Guidelines, 2015. Collection method: clinical testing. Allele origin: germline.

Labcorp Genetics (formerly Invitae), Labcorp
Classification: Uncertain significance. Last evaluated: 2022-08-05. Review status: criteria provided, single submitter. Criteria: Invitae Variant Classification Sherloc (09022015). Collection method: clinical testing. Allele origin: germline.
Comment: This sequence change replaces tryptophan, which is neutral and slightly polar, with glycine, which is neutral and non-polar, at codon 482 of the CNGB3 protein (p.Trp482Gly). This variant is present in population databases (rs773640498, gnomAD 0.02%). This variant has not been reported in the literature in individuals affected with CNGB3-related conditions. ClinVar contains an entry for this variant (Variation ID: 1420814). Advanced modeling of protein sequence and biophysical properties (such as structural, functional, and spatial information, amino acid conservation, physicochemical variation, residue mobility, and thermodynamic stability) performed at Invitae indicates that this missense variant is expected to disrupt CNGB3 protein function. In summary, the available evidence is currently insufficient to determine the role of this variant in disease. Therefore, it has been classified as a Variant of Uncertain Significance.

NM_019098.5(CNGB3):c.1444T>G (p.Trp482Gly)

Gene: CNGB3 (cyclic nucleotide gated channel subunit beta 3; minus strand). Cytogenetic location: 8q21.3.
Variant type: single nucleotide variant.
Coding change: c.1444T>G on transcript NM_019098.5 (MANE Select); coding-DNA position 1444, T replaced by G.
Protein change: p.Trp482Gly; replaces tryptophan 482 with glycine.
Molecular consequence: missense variant.
Genome position (GRCh38, 1-based): chr8:86,628,955, A>C on the plus strand (T>G on the coding strand, the complement: CNGB3 is on the minus strand). VCF-style: chr8-86628955-A-C. GRCh37 (hg19) VCF-style: chr8-87641183-A-C.
Other names: short protein forms W482G.
Identifiers: ClinVar variation 1420814 (VCV001420814.6), dbSNP rs773640498, ClinGen allele CA4800022.